The following is an entry in ClinVar:

NM_000132.4(F8):c.6496C>T (p.Arg2166Ter)

Gene: F8 (coagulation factor VIII; minus strand). Cytogenetic location: Xq28.
Variant type: single nucleotide variant.
Coding change: c.6496C>T on transcript NM_000132.4 (MANE Select); coding-DNA position 6496, C replaced by T.
Protein change: p.Arg2166Ter; replaces arginine 2166 with a stop codon.
Molecular consequence: nonsense.
Genome position (GRCh38, 1-based): chrX:154,863,161, G>A on the plus strand (C>T on the coding strand, the complement: F8 is on the minus strand). VCF-style: chrX-154863161-G-A. GRCh37 (hg19) VCF-style: chrX-154091436-G-A.
Other names: F8, ARG2147TER; R2147*; c.91C>T, p.Arg31Ter (NM_019863.3); short protein forms R2166*, R31*.
Identifiers: ClinVar variation 10096 (VCV000010096.10), dbSNP rs137852357, ClinGen allele CA255013.
Genomic context (GRCh38, chrX:154,863,161, plus strand): 5'-TCAACTCCATGCGAAGAGTGCTGCGAATGCTATAATGAGTTGGGTGCAAACGGATGTATC[G>A]AGCAATAATTGGAGGGTTAAAAATATTGTGTTTTATCCCAGATGAATCCACATTGCCAAA-3'

ClinVar aggregate classification (germline): Pathogenic. Review status: criteria provided, multiple submitters, no conflicts (2 of 4 stars). 4 submissions from 4 submitters: Pathogenic (3). 1 of the submissions does not count toward it. Last evaluated 2024-11-12.

Conditions:
Hereditary factor VIII deficiency disease (HEMA). Also called: HEMOPHILIA, CLASSIC; AUTOSOMAL HEMOPHILIA A; Hemophilia A; Hemophilia A, congenital; HEM A; Factor 8 deficiency, congenital. Identifiers: Orphanet 98878, MedGen C0019069, MONDO:0010602, OMIM 306700.

Allele frequency attached by ClinVar (database versions not stated): gnomAD exomes below 0.00001; TOPMed 0.00015.
gnomAD v4.1: 1 of 1,208,839 alleles (0.000083%); no homozygotes.

Submissions (4):

Women's Health and Genetics/Laboratory Corporation of America, LabCorp
Classification: Pathogenic for Hereditary factor VIII deficiency disease. Last evaluated: 2024-11-12. Review status: criteria provided, single submitter. Criteria: LabCorp Variant Classification Summary - May 2015. Collection method: clinical testing. Allele origin: germline.
Comment: Variant summary: F8 c.6496C>T (p.Arg2166X) results in a premature termination codon, predicted to cause absence of the protein due to nonsense mediated decay, which is a commonly known mechanism for disease. The variant was absent in 183368 control chromosomes. c.6496C>T has been reported in the literature in at-least one individual affected with Factor VIII Deficiency (Hemophilia A) (example, Youssoufian_1988). To our knowledge, no experimental evidence demonstrating an impact on protein function has been reported. The following publication has been ascertained in the context of this evaluation (PMID: 2833855). ClinVar contains an entry for this variant (Variation ID: 10096). Based on the evidence outlined above, the variant was classified as pathogenic.

Myriad Genetics, Inc.
Classification: Pathogenic for Hereditary factor VIII deficiency disease. Last evaluated: 2024-07-17. Review status: criteria provided, single submitter. Criteria: Myriad Autosomal Dominant, Autosomal Recessive and X-Linked Classification Criteria (2023). Collection method: clinical testing. Allele origin: unknown.
Comment: NM_000132.3(F8):c.6496C>T(R2166*) is expected to be pathogenic in the context of hemophilia A. This variant is predicted to lead to an abnormal or absent protein product due to the creation of a premature termination codon in F8, a gene where loss-of-function variants are known to be pathogenic. Please note: this variant was assessed in the context of healthy population screening.

ARUP Laboratories, Molecular Genetics and Genomics, ARUP Laboratories
Classification: Pathogenic for Hereditary factor VIII deficiency disease. Last evaluated: 2021-11-04. Review status: criteria provided, single submitter. Criteria: ARUP Molecular Germline Variant Investigation Process 2021. Collection method: clinical testing. Allele origin: germline.
Comment: The F8 c.6496C>T; p.Arg2166Ter variant (rs137852357), also known as Arg2147Ter, is reported in the literature in several individuals affected with severe hemophilia A (see link to FVIII database and references therein, Feng 2021, Kang 2021, Villarreal-Martinez 2020). This variant is also reported in ClinVar (Variation ID: 10096), but is absent from the Genome Aggregation Database, indicating it is not a common polymorphism. This variant induces an early termination codon and is predicted to result in a truncated protein or mRNA subject to nonsense-mediated decay. Based on available information, this variant is considered to be pathogenic. References: Link to FVIII database: Feng Y et al. Mutation analysis in the F8 gene in 485 families with haemophilia A and prenatal diagnosis in China. Haemophilia. 2021 Jan;27(1):e88-e92PMID: 33245802. Kang H et al. FVIII inhibitor risk correlated with F8 gene variants in 296 unrelated male Chinese patients with haemophilia A. Haemophilia. 2021 Mar;27(2):e274-e277. PMID: 32897612. Villarreal-Martinez L et al. Molecular genetic diagnosis by next-generation sequencing in a cohort of Mexican patients with haemophilia and report of novel variants. Blood Cells Mol Dis. 2020 Jul;83:102423. PMID: 32224444.

OMIM
Classification: Pathogenic for HEMOPHILIA A. Last evaluated: 1988-05-01. Review status: no assertion criteria provided. Collection method: literature only. Allele origin: germline. Not counted in ClinVar's aggregate classification.

Literature cited by the submitters: PubMed 2833855 (cited by Women's Health and Genetics/Laboratory Corporation of America, LabCorp and OMIM).